The following is an entry in ClinVar:

NM_001136018.4(EPHX1):c.1355T>A (p.Leu452Gln)

Genes: EPHX1 (epoxide hydrolase 1; plus strand), TMEM63A (transmembrane protein 63A; minus strand). Cytogenetic location: 1q42.12.
Variant type: single nucleotide variant.
Coding change: c.1355T>A on transcript NM_001136018.4 (MANE Select); coding-DNA position 1355, T replaced by A.
Protein change: p.Leu452Gln; replaces leucine 452 with glutamine.
Molecular consequence: missense variant. On other transcripts: non-coding transcript variant (4).
Genome position (GRCh38, 1-based): chr1:225,845,334, T>A. VCF-style: chr1-225845334-T-A. GRCh37 (hg19) VCF-style: chr1-226033035-T-A.
Other names: NC_000001.10:g.226033035T>A; c.1355T>A (NM_000120.3); c.1355T>A, p.Leu452Gln (NM_000120.4, NM_001291163.2, NM_001378426.1 and 1 more transcripts); c.1328T>A, p.Leu443Gln (NM_001378428.1); c.1307T>A, p.Leu436Gln (NM_001378429.1, NM_001378430.1); c.1127T>A, p.Leu376Gln (NM_001378431.1); c.788T>A, p.Leu263Gln (NM_001378432.1); short protein forms L443Q, L436Q, L263Q, L376Q, L452Q.
Identifiers: ClinVar variation 4375741 (VCV004375741.2).

ClinVar aggregate classification (germline): Likely benign (1 of 4 stars; one submission).

Conditions:
EPHX1-related disorder. Also called: EPHX1-related condition.

gnomAD v4.1: 4,832 of 1,610,504 alleles (0.3%); highest among the groups gnomAD compares: Non-Finnish European, 0.39%; 15 homozygotes.

Submissions (2):

PreventionGenetics, part of Exact Sciences
Classification: Likely benign for EPHX1-related condition. Last evaluated: 2025-12-31. Review status: criteria provided, single submitter. Criteria: ACMG Guidelines, 2015. Collection method: clinical testing. Allele origin: germline.
Comment: This variant is classified as likely benign based on ACMG/AMP sequence variant interpretation guidelines (Richards et al. 2015 PMID: 25741868, with internal and published modifications).

Dr. Peter K. Rogan Lab, Western University
No classification provided (evidence only). Condition: Uterine corpus endometrial carcinoma. Review status: no classification provided. Collection method: in vitro. Allele origin: not applicable. Functional consequence: retained intron. Not counted in ClinVar's aggregate classification.